The following is an entry in ClinVar:

NM_001379081.2(FREM1):c.366C>G (p.Ile122Met)

Gene: FREM1 (FRAS1 related extracellular matrix 1; minus strand). Cytogenetic location: 9p22.3.
Variant type: single nucleotide variant.
Coding change: c.366C>G on transcript NM_001379081.2 (MANE Select); coding-DNA position 366, C replaced by G.
Protein change: p.Ile122Met; replaces isoleucine 122 with methionine.
Molecular consequence: missense variant. On other transcripts: non-coding transcript variant (4).
Genome position (GRCh38, 1-based): chr9:14,859,448, G>C on the plus strand (C>G on the coding strand, the complement: FREM1 is on the minus strand). VCF-style: chr9-14859448-G-C. GRCh37 (hg19) VCF-style: chr9-14859446-G-C.
Other names: c.366C>G, p.Ile122Met (NM_144966.7, NM_001370060.1, NM_001370063.1 and 1 more transcripts); short protein forms I122M.
Identifiers: ClinVar variation 2182306 (VCV002182306.4), dbSNP rs1206542000, ClinGen allele CA372964135.
Genomic context (GRCh38, chr9:14,859,448, plus strand): 5'-CAGCACATTGTTACTCATATGGATGATGTTACAGTCTGGTTCCAGGAGATAGACCCACAG[G>C]ATAAAAGTTTCTATGAAGGTATCTCTTTCAGTAAATCTGTGGAGAACACAGGGCAAAAGC-3'
Protein context (NP_001366010.1, residues 112-132): TERDTFIETF[Ile122Met]LWVYLLEPDC

ClinVar aggregate classification (germline): Uncertain significance (1 of 4 stars; one submission).

Allele frequency attached by ClinVar (database versions not stated): TOPMed below 0.00001; gnomAD 0.00001.
gnomAD v4.1: 2 of 1,613,432 alleles (0.00012%); highest among the groups gnomAD compares: Admixed American, 0.0017%; no homozygotes.

Submission:

Labcorp Genetics (formerly Invitae), Labcorp
Classification: Uncertain significance. Last evaluated: 2022-07-11. Review status: criteria provided, single submitter. Criteria: Invitae Variant Classification Sherloc (09022015). Collection method: clinical testing. Allele origin: germline.
Comment: In summary, the available evidence is currently insufficient to determine the role of this variant in disease. Therefore, it has been classified as a Variant of Uncertain Significance. Algorithms developed to predict the effect of missense changes on protein structure and function (SIFT, PolyPhen-2, Align-GVGD) all suggest that this variant is likely to be tolerated. This variant has not been reported in the literature in individuals affected with FREM1-related conditions. This variant is present in population databases (no rsID available, gnomAD no frequency). This sequence change replaces isoleucine, which is neutral and non-polar, with methionine, which is neutral and non-polar, at codon 122 of the FREM1 protein (p.Ile122Met).